The following is an entry in ClinVar:

NM_001875.5(CPS1):c.349C>T (p.Leu117Phe)

Gene: CPS1 (carbamoyl-phosphate synthase 1; plus strand). Cytogenetic location: 2q34.
Variant type: single nucleotide variant.
Coding change: c.349C>T on transcript NM_001875.5 (MANE Select); coding-DNA position 349, C replaced by T.
Protein change: p.Leu117Phe; replaces leucine 117 with phenylalanine.
Molecular consequence: missense variant. On other transcripts: non-coding transcript variant (1).
Genome position (GRCh38, 1-based): chr2:210,576,458, C>T. VCF-style: chr2-210576458-C-T. GRCh37 (hg19) VCF-style: chr2-211441182-C-T.
Other names: c.349C>T, p.Leu117Phe (NM_001122633.3, NM_001369257.1); c.382C>T, p.Leu128Phe (NM_001369256.1); short protein forms L128F, L117F.
Identifiers: ClinVar variation 1377774 (VCV001377774.6), dbSNP rs2106079743, ClinGen allele CA350423332.

ClinVar aggregate classification (germline): Uncertain significance (1 of 4 stars; one submission).

Conditions:
Congenital hyperammonemia, type I. Also called: Carbamoyl-phosphate synthase I deficiency; CPS I DEFICIENCY; Carbamoyl phosphate synthetase 1 deficiency; Hyperammonemia due to carbamoyl phosphate synthetase 1 deficiency; CPS 1 deficiency; Carbamyl phosphate synthetase (CPS) deficiency. Identifiers: Orphanet 147, MedGen C4082171, MONDO:0009376, OMIM 237300.

Allele frequency attached by ClinVar (database versions not stated): gnomAD exomes below 0.00001.
gnomAD v4.1: 2 of 1,613,634 alleles (0.00012%); highest among the groups gnomAD compares: Non-Finnish European, 0.00017%; no homozygotes.

Submission:

Labcorp Genetics (formerly Invitae), Labcorp
Classification: Uncertain significance for Congenital hyperammonemia, type I. Last evaluated: 2021-09-05. Review status: criteria provided, single submitter. Criteria: Invitae Variant Classification Sherloc (09022015). Collection method: clinical testing. Allele origin: germline.
Comment: This sequence change replaces leucine with phenylalanine at codon 117 of the CPS1 protein (p.Leu117Phe). The leucine residue is highly conserved and there is a small physicochemical difference between leucine and phenylalanine. This variant is not present in population databases (ExAC no frequency). This variant has not been reported in the literature in individuals affected with CPS1-related conditions. Algorithms developed to predict the effect of missense changes on protein structure and function are either unavailable or do not agree on the potential impact of this missense change (SIFT: "Deleterious"; PolyPhen-2: "Probably Damaging"; Align-GVGD: "Class C0"). In summary, the available evidence is currently insufficient to determine the role of this variant in disease. Therefore, it has been classified as a Variant of Uncertain Significance.